The following is an entry in ClinVar:

ClinVar aggregate classification (germline): Uncertain significance. Review status: criteria provided, multiple submitters, no conflicts (2 of 4 stars). 2 submissions from 2 submitters: Uncertain significance (2). Last evaluated 2026-04-15.

Allele frequency attached by ClinVar (database versions not stated): gnomAD 0.00001; ExAC 0.00002; gnomAD exomes 0.00002; TOPMed 0.00002; ESP Exome Variant Server 0.00008.
gnomAD v4.1: 37 of 1,614,124 alleles (0.0023%); highest among the groups gnomAD compares: Middle Eastern, 0.066%; no homozygotes.

Submissions (2):

GeneDx
Classification: Uncertain significance. Last evaluated: 2026-04-15. Review status: criteria provided, single submitter. Criteria: GeneDx Variant Classification Process June 2021. Collection method: clinical testing. Allele origin: germline.
Comment: Has not been previously published as pathogenic or benign to our knowledge; In silico analysis supports that this missense variant has a deleterious effect on protein structure/function

CeGaT Center for Human Genetics Tuebingen
Classification: Uncertain significance. Last evaluated: 2024-09-01. Review status: criteria provided, single submitter. Criteria: CeGaT Center For Human Genetics Tuebingen Variant Classification Criteria Version 2. Collection method: clinical testing. Allele origin: germline. Affected: yes. Observed: 1 variant allele.
Comment: RNF213: PM2, BP4

NM_001256071.3(RNF213):c.11987C>T (p.Pro3996Leu)

Genes: RNF213 (ring finger protein 213; plus strand), RNF213-AS1 (RNF213 antisense RNA 1; minus strand). Cytogenetic location: 17q25.3.
Variant type: single nucleotide variant.
Coding change: c.11987C>T on transcript NM_001256071.3 (MANE Select); coding-DNA position 11987, C replaced by T.
Protein change: p.Pro3996Leu; replaces proline 3996 with leucine.
Molecular consequence: missense variant.
Genome position (GRCh38, 1-based): chr17:80,367,975, C>T. VCF-style: chr17-80367975-C-T. GRCh37 (hg19) VCF-style: chr17-78341775-C-T.
Other names: c.12134C>T, p.Pro4045Leu (NM_001410195.1, NM_020914.5); short protein forms P3996L, P4045L.
Identifiers: ClinVar variation 2497900 (VCV002497900.16), dbSNP rs375587766, ClinGen allele CA8822051.
Genomic context (GRCh38, chr17:80,367,975, plus strand): 5'-GGCCAGTTTCTCTGCTTCAGAACTGATTGCCCTTCTTGGATTCTAGGTTTGGGATTCAGC[C>T]GTGCTCCATCTGCCTGGGAGATGCAAAGGACCCCGTCTGTCTGCCCTGCGACCACGTGCA-3'
Protein context (NP_001243000.2, residues 3986-4006): SKTLSRFGIQ[Pro3996Leu]CSICLGDAKD